The following is an entry in ClinVar:

NM_054027.6(ANKH):c.516+6T>A

Gene: ANKH (ANKH inorganic pyrophosphate transport regulator; minus strand). Cytogenetic location: 5p15.2.
Variant type: single nucleotide variant.
Coding change: c.516+6T>A on transcript NM_054027.6 (MANE Select); 6 bases into the intron after coding-DNA position 516, T replaced by A.
Molecular consequence: intron variant.
Genome position (GRCh38, 1-based): chr5:14,755,855, A>T on the plus strand (T>A on the coding strand, the complement: ANKH is on the minus strand). VCF-style: chr5-14755855-A-T. GRCh37 (hg19) VCF-style: chr5-14755964-A-T.
Identifiers: ClinVar variation 3359601 (VCV003359601.1).

ClinVar aggregate classification (germline): Uncertain significance (1 of 4 stars; one submission).

Submission:

GeneDx
Classification: Uncertain significance. Last evaluated: 2023-06-12. Review status: criteria provided, single submitter. Criteria: GeneDx Variant Classification Process June 2021. Collection method: clinical testing. Allele origin: germline. Affected: yes.
Comment: Not observed at significant frequency in large population cohorts (gnomAD); In silico analysis is inconclusive as to whether the variant alters gene splicing. In the absence of RNA/functional studies, the actual effect of this sequence change is unknown.; Has not been previously published as pathogenic or benign to our knowledge